The following is an entry in ClinVar:

NM_002691.4(POLD1):c.3236T>A (p.Phe1079Tyr)

Gene: POLD1 (DNA polymerase delta 1, catalytic subunit; plus strand). Cytogenetic location: 19q13.33.
Variant type: single nucleotide variant.
Coding change: c.3236T>A on transcript NM_002691.4 (MANE Select); coding-DNA position 3236, T replaced by A.
Protein change: p.Phe1079Tyr; replaces phenylalanine 1079 with tyrosine.
Molecular consequence: missense variant. On other transcripts: non-coding transcript variant (1).
Genome position (GRCh38, 1-based): chr19:50,417,859, T>A. VCF-style: chr19-50417859-T-A. GRCh37 (hg19) VCF-style: chr19-50921116-T-A.
Other names: c.3236T>A, p.Phe1079Tyr (NM_001256849.1); c.3314T>A, p.Phe1105Tyr (NM_001308632.1); short protein forms F1105Y, F1079Y.
Identifiers: ClinVar variation 2701759 (VCV002701759.3), dbSNP rs2514087109, ClinGen allele CA406987716.
Genomic context (GRCh38, chr19:50,417,859, plus strand): 5'-GGGCCTTGGCTGGTCCTGACCCTGCCCCTGCCCCCACCCGCAGCCGGGACTGCCCCATCT[T>A]CTACATGCGCAAGAAGGTGCGGAAGGACCTGGAAGACCAGGAGCAGCTCCTGCGGCGCTT-3'
Protein context (NP_002682.2, residues 1069-1089): VICTSRDCPI[Phe1079Tyr]YMRKKVRKDL

ClinVar aggregate classification (germline): Uncertain significance (1 of 4 stars; one submission).

Conditions:
POLD1-related polyposis and colorectal cancer syndrome (CRCS10). Also called: Colorectal cancer 10; Colorectal cancer, susceptibility to, 10; COLORECTAL CANCER, SUSCEPTIBILITY TO, ON CHROMOSOME 19q. Identifiers: Orphanet 220460, MedGen C2675481, MONDO:0012953, OMIM 612591.

Submission:

Labcorp Genetics (formerly Invitae), Labcorp
Classification: Uncertain significance for POLD1-related polyposis and colorectal cancer syndrome. Last evaluated: 2025-04-28. Review status: criteria provided, single submitter. Criteria: Invitae Variant Classification Sherloc (09022015). Collection method: clinical testing. Allele origin: germline.
Comment: This sequence change replaces phenylalanine, which is neutral and non-polar, with tyrosine, which is neutral and polar, at codon 1079 of the POLD1 protein (p.Phe1079Tyr). This variant is not present in population databases (gnomAD no frequency). This variant has not been reported in the literature in individuals affected with POLD1-related conditions. ClinVar contains an entry for this variant (Variation ID: 2701759). Invitae Evidence Modeling of protein sequence and biophysical properties (such as structural, functional, and spatial information, amino acid conservation, physicochemical variation, residue mobility, and thermodynamic stability) indicates that this missense variant is not expected to disrupt POLD1 protein function with a negative predictive value of 80%. In summary, the available evidence is currently insufficient to determine the role of this variant in disease. Therefore, it has been classified as a Variant of Uncertain Significance.